The following is an entry in ClinVar:

ClinVar aggregate classification (germline): Uncertain significance. Review status: criteria provided, multiple submitters, no conflicts (2 of 4 stars). 3 submissions from 3 submitters: Uncertain significance (3). Last evaluated 2025-04-16.

Conditions:
Cardiovascular phenotype. Identifiers: MedGen CN230736.
Cardiomyopathy (CMYO). Also called: Cardiomyopathies. Identifiers: Orphanet 167848, MedGen C0878544, MONDO:0004994, HP:0001638. Inheritance: Various modes of inheritance.
Hypertrophic cardiomyopathy. Also called: HYPERTROPHIC MYOCARDIOPATHY. Identifiers: Orphanet 217569, MedGen C0007194, MeSH D002312, MONDO:0005045, HP:0001639.

Submissions (3):

Ambry Genetics
Classification: Uncertain significance for Cardiovascular phenotype. Last evaluated: 2025-04-16. Review status: criteria provided, single submitter. Criteria: Ambry Variant Classification Scheme 2023. Collection method: clinical testing. Allele origin: germline.
Comment: The p.Q209* variant (also known as c.625C>T), located in coding exon 5 of the MYH7 gene, results from a C to T substitution at nucleotide position 625. This changes the amino acid from a glutamine to a stop codon within coding exon 5. This alteration is expected to result in protein truncation or nonsense-mediated mRNA decay. However, loss of function of MYH7 has not been established as a mechanism of disease. Based on the available evidence, the clinical significance of this alteration remains unclear.

Labcorp Genetics (formerly Invitae), Labcorp
Classification: Uncertain significance for Hypertrophic cardiomyopathy. Last evaluated: 2024-08-17. Review status: criteria provided, single submitter. Criteria: Invitae Variant Classification Sherloc (09022015). Collection method: clinical testing. Allele origin: germline.
Comment: This sequence change creates a premature translational stop signal (p.Gln209*) in the MYH7 gene. It is expected to result in an absent or disrupted protein product. However, the current clinical and genetic evidence is not sufficient to establish whether loss-of-function variants in MYH7 cause disease. This variant is not present in population databases (gnomAD no frequency). This variant has not been reported in the literature in individuals affected with MYH7-related conditions. ClinVar contains an entry for this variant (Variation ID: 666197). In summary, the available evidence is currently insufficient to determine the role of this variant in disease. Therefore, it has been classified as a Variant of Uncertain Significance.

Color Diagnostics, LLC DBA Color Health
Classification: Uncertain significance for Cardiomyopathy. Last evaluated: 2019-04-28. Review status: criteria provided, single submitter. Criteria: ACMG Guidelines, 2015. Collection method: clinical testing. Allele origin: germline.
Comment: This variant changes 1 nucleotide in exon 7 of the MYH7 gene, creating a premature translation stop signal. This variant is expected to result in an absent or non-functional protein product. To our knowledge, functional assays have not been performed for this variant nor has this variant been reported in individuals affected with cardiovascular disorders in the literature. This variant has not been identified in the general population by the Genome Aggregation Database (gnomAD). Clinical significance of loss-of-function truncation variants in the MYH7 gene is not clearly established. Available evidence is insufficient to determine the role of this variant in disease conclusively. Therefore, this variant is classified as a Variant of Uncertain Significance.

NM_000257.4(MYH7):c.625C>T (p.Gln209Ter)

Gene: MYH7 (myosin heavy chain 7; minus strand). Cytogenetic location: 14q11.2.
Variant type: single nucleotide variant.
Coding change: c.625C>T on transcript NM_000257.4 (MANE Select); coding-DNA position 625, C replaced by T.
Protein change: p.Gln209Ter; replaces glutamine 209 with a stop codon.
Molecular consequence: nonsense.
Genome position (GRCh38, 1-based): chr14:23,431,775, G>A on the plus strand (C>T on the coding strand, the complement: MYH7 is on the minus strand). VCF-style: chr14-23431775-G-A. GRCh37 (hg19) VCF-style: chr14-23900984-G-A.
Other names: short protein forms Q209*.
Identifiers: ClinVar variation 666197 (VCV000666197.10), dbSNP rs878853840, ClinGen allele CA389052396.